The following is an entry in ClinVar:

ClinVar aggregate classification (germline): Uncertain significance (1 of 4 stars; one submission).

Conditions:
Tuberous sclerosis syndrome (TSC). Also called: Tuberous Sclerosis Complex; Tuberous sclerosis. Identifiers: Orphanet 805, MedGen C0041341, MONDO:0001734.

Submission:

All of Us Research Program, National Institutes of Health
Classification: Uncertain significance for Tuberous sclerosis syndrome. Last evaluated: 2023-07-10. Review status: criteria provided, single submitter. Criteria: ACMG Guidelines, 2015. Collection method: clinical testing. Allele origin: germline. Inheritance: Autosomal dominant inheritance. Observed: 1 variant allele, 1 heterozygote.
Comment: This missense variant replaces serine with proline at codon 1254 of the TSC2 protein. Computational prediction suggests that this variant may not impact protein structure and function (internally defined REVEL score threshold <= 0.5, PMID: 27666373). To our knowledge, functional studies have not been reported for this variant. This variant has not been reported in individuals affected with tuberous sclerosis complex in the literature. This variant has not been identified in the general population by the Genome Aggregation Database (gnomAD). The available evidence is insufficient to determine the role of this variant in disease conclusively. Therefore, this variant is classified as a Variant of Uncertain Significance.

This study involves interpretation of variants in research participants for the purpose of population health screening. Participant phenotype was not available at the time of variant classification. Additional details can be found in publication PMID: 35346344, PMCID: PMC8962531

NM_000548.5(TSC2):c.3760T>C (p.Ser1254Pro)

Gene: TSC2 (TSC complex subunit 2; plus strand). Cytogenetic location: 16p13.3.
Variant type: single nucleotide variant.
Coding change: c.3760T>C on transcript NM_000548.5 (MANE Select); coding-DNA position 3760, T replaced by C.
Protein change: p.Ser1254Pro; replaces serine 1254 with proline.
Molecular consequence: missense variant. On other transcripts: non-coding transcript variant (5).
Genome position (GRCh38, 1-based): chr16:2,081,744, T>C. VCF-style: chr16-2081744-T-C. GRCh37 (hg19) VCF-style: chr16-2131745-T-C.
Other names: c.3610T>C, p.Ser1204Pro (NM_001406676.1); c.3571T>C, p.Ser1191Pro (NM_001406677.1); c.3517T>C, p.Ser1173Pro (NM_001406678.1); c.3481T>C, p.Ser1161Pro (NM_001406679.1); c.3169T>C, p.Ser1057Pro (NM_001406681.1); c.3160T>C, p.Ser1054Pro (NM_001406680.1, NM_001406682.1, NM_001406683.1); c.3157T>C, p.Ser1053Pro (NM_001406684.1); c.3031T>C, p.Ser1011Pro (NM_001406685.1, NM_001406686.1); and 18 more; short protein forms S1010P, S1011P, S1053P, S1054P, S1057P, S1161P, S1162P, S1173P.
Identifiers: ClinVar variation 3072401 (VCV003072401.1), dbSNP rs2544160694, ClinGen allele CA394293196.